The following is an entry in ClinVar:

NM_005228.5(EGFR):c.2302A>G (p.Ser768Gly)

Genes: EGFR-AS1 (EGFR antisense RNA 1; minus strand), EGFR (epidermal growth factor receptor; plus strand). Cytogenetic location: 7p11.2.
Variant type: single nucleotide variant.
Coding change: c.2302A>G on transcript NM_005228.5 (MANE Select); coding-DNA position 2302, A replaced by G.
Protein change: p.Ser768Gly; replaces serine 768 with glycine.
Molecular consequence: missense variant. On other transcripts: non-coding transcript variant (1).
Genome position (GRCh38, 1-based): chr7:55,181,311, A>G. VCF-style: chr7-55181311-A-G. GRCh37 (hg19) VCF-style: chr7-55249004-A-G.
Other names: c.2302A>G (NM_005228.3); c.2167A>G, p.Ser723Gly (NM_001346897.2, NM_001346899.2); c.2302A>G, p.Ser768Gly (NM_001346898.2); c.2143A>G, p.Ser715Gly (NM_001346900.2); c.1501A>G, p.Ser501Gly (NM_001346941.2); short protein forms S501G, S715G, S723G, S768G.
Identifiers: ClinVar variation 1358272 (VCV001358272.9), dbSNP rs756614898, ClinGen allele CA4266050.
Genomic context (GRCh38, chr7:55,181,311, plus strand): 5'-CACCATGCGAAGCCACACTGACGTGCCTCTCCCTCCCTCCAGGAAGCCTACGTGATGGCC[A>G]GCGTGGACAACCCCCACGTGTGCCGCCTGCTGGGCATCTGCCTCACCTCCACCGTGCAGC-3'
Protein context (NP_005219.2, residues 758-778): EILDEAYVMA[Ser768Gly]VDNPHVCRLL

ClinVar aggregate classification (germline): Uncertain significance. Review status: criteria provided, multiple submitters, no conflicts (2 of 4 stars). 2 submissions from 2 submitters: Uncertain significance (2). Last evaluated 2025-06-20.

Conditions:
Hereditary cancer-predisposing syndrome. Also called: Tumor predisposition; Hereditary neoplastic syndrome; Neoplastic Syndromes, Hereditary; Hereditary Cancer Syndrome. Identifiers: Orphanet 140162, MedGen C0027672, MeSH D009386, MONDO:0015356.
EGFR-related lung cancer (EGFR). Identifiers: MedGen CN130014.

Allele frequency attached by ClinVar (database versions not stated): gnomAD exomes below 0.00001; ExAC 0.00001; gnomAD 0.00001; TOPMed 0.00003.
gnomAD v4.1: 2 of 1,614,050 alleles (0.00012%); highest among the groups gnomAD compares: African/African-American, 0.0013%; no homozygotes.

Submissions (2):

Ambry Genetics
Classification: Uncertain significance for Hereditary cancer-predisposing syndrome. Last evaluated: 2025-06-20. Review status: criteria provided, single submitter. Criteria: Ambry Variant Classification Scheme 2023. Collection method: clinical testing. Allele origin: germline.
Comment: The p.S768G variant (also known as c.2302A>G), located in coding exon 20 of the EGFR gene, results from an A to G substitution at nucleotide position 2302. The serine at codon 768 is replaced by glycine, an amino acid with similar properties. This amino acid position is highly conserved in available vertebrate species. In addition, the in silico prediction for this alteration is inconclusive. Based on the available evidence, the clinical significance of this variant remains unclear.

Labcorp Genetics (formerly Invitae), Labcorp
Classification: Uncertain significance for EGFR-related lung cancer. Last evaluated: 2024-08-07. Review status: criteria provided, single submitter. Criteria: Invitae Variant Classification Sherloc (09022015). Collection method: clinical testing. Allele origin: germline.
Comment: This sequence change replaces serine, which is neutral and polar, with glycine, which is neutral and non-polar, at codon 768 of the EGFR protein (p.Ser768Gly). This variant is present in population databases (rs756614898, gnomAD 0.007%). This variant has not been reported in the literature in individuals affected with EGFR-related conditions. ClinVar contains an entry for this variant (Variation ID: 1358272). Advanced modeling of protein sequence and biophysical properties (such as structural, functional, and spatial information, amino acid conservation, physicochemical variation, residue mobility, and thermodynamic stability) performed at Invitae indicates that this missense variant is not expected to disrupt EGFR protein function with a negative predictive value of 80%. In summary, the available evidence is currently insufficient to determine the role of this variant in disease. Therefore, it has been classified as a Variant of Uncertain Significance.